The following is an entry in ClinVar:

ClinVar aggregate classification (germline): Likely pathogenic (1 of 4 stars; one submission).

gnomAD v4.1: 1 of 1,613,394 alleles (0.000062%); highest among the groups gnomAD compares: Admixed American, 0.0017%; no homozygotes.

Submission:

Labcorp Genetics (formerly Invitae), Labcorp
Classification: Likely pathogenic. Last evaluated: 2025-12-08. Review status: criteria provided, single submitter. Criteria: Invitae Variant Classification Sherloc (09022015). Collection method: clinical testing. Allele origin: germline.
Comment: This sequence change falls in intron 19 of the PDE6A gene. It does not directly change the encoded amino acid sequence of the PDE6A protein. It affects a nucleotide within the consensus splice site. This variant is not present in population databases (gnomAD no frequency). This variant has been observed in individual(s) with clinical features of autosomal recessive retinitis pigmentosa (internal data). In at least one individual the data is consistent with being in trans (on the opposite chromosome) from a pathogenic variant. ClinVar contains an entry for this variant (Variation ID: 941140). Variants that disrupt the consensus splice site are a relatively common cause of aberrant splicing (PMID: 17576681, 9536098). Algorithms developed to predict the effect of sequence changes on RNA splicing suggest that this variant may disrupt the consensus splice site. In summary, the currently available evidence indicates that the variant is pathogenic, but additional data are needed to prove that conclusively. Therefore, this variant has been classified as Likely Pathogenic.

Literature cited by the submitters: PubMed 17576681; PubMed 9536098.

NM_000440.3(PDE6A):c.2274+5G>C

Gene: PDE6A (phosphodiesterase 6A; minus strand). Cytogenetic location: 5q32.
Variant type: single nucleotide variant.
Coding change: c.2274+5G>C on transcript NM_000440.3 (MANE Select); 5 bases into the intron after coding-DNA position 2274, G replaced by C.
Molecular consequence: intron variant.
Genome position (GRCh38, 1-based): chr5:149,867,720, C>G on the plus strand (G>C on the coding strand, the complement: PDE6A is on the minus strand). VCF-style: chr5-149867720-C-G. GRCh37 (hg19) VCF-style: chr5-149247283-C-G.
Identifiers: ClinVar variation 941140 (VCV000941140.8), dbSNP rs1760382600, ClinGen allele CA1139659167.